The following is an entry in ClinVar:

ClinVar aggregate classification (germline): Uncertain significance. Review status: criteria provided, multiple submitters, no conflicts (2 of 4 stars). 3 submissions from 3 submitters: Uncertain significance (3). Last evaluated 2024-08-20.

Conditions:
Mitochondrial complex IV deficiency, nuclear type 17. Also called: Mitochondrial complex 4 deficiency, nuclear type 17. Identifiers: MedGen C5436718, MONDO:0033652, OMIM 619061.
Inborn genetic diseases. Identifiers: MedGen C0950123, MeSH D030342.

Allele frequency attached by ClinVar (database versions not stated): gnomAD exomes 0.00001; TOPMed 0.00007; gnomAD 0.00009 and 0.00010; 1000 Genomes Project 0.00020; 1000 Genomes Project 30x 0.00031.

Submissions (3):

Ambry Genetics
Classification: Uncertain significance for Inborn genetic diseases. Last evaluated: 2024-08-20. Review status: criteria provided, single submitter. Criteria: Ambry Variant Classification Scheme 2023. Collection method: clinical testing. Allele origin: germline.

Fulgent Genetics
Classification: Uncertain significance for Mitochondrial complex IV deficiency, nuclear type 17. Last evaluated: 2022-05-17. Review status: criteria provided, single submitter. Criteria: ACMG Guidelines, 2015. Collection method: clinical testing. Allele origin: unknown.

Labcorp Genetics (formerly Invitae), Labcorp
Classification: Uncertain significance. Last evaluated: 2021-10-20. Review status: criteria provided, single submitter. Criteria: Invitae Variant Classification Sherloc (09022015). Collection method: clinical testing. Allele origin: germline.
Comment: This sequence change replaces glutamic acid with lysine at codon 46 of the APOPT1 protein (p.Glu46Lys). The glutamic acid residue is weakly conserved and there is a small physicochemical difference between glutamic acid and lysine. The frequency data for this variant in the population databases is considered unreliable, as metrics indicate poor data quality at this position in the ExAC database. This variant has not been reported in the literature in individuals affected with APOPT1-related conditions. Algorithms developed to predict the effect of missense changes on protein structure and function (SIFT, PolyPhen-2, Align-GVGD) all suggest that this variant is likely to be tolerated. In summary, the available evidence is currently insufficient to determine the role of this variant in disease. Therefore, it has been classified as a Variant of Uncertain Significance.

NM_001370595.2(COA8):c.97G>A (p.Glu33Lys)

Gene: COA8 (cytochrome c oxidase assembly factor 8; plus strand). Cytogenetic location: 14q32.33.
Variant type: single nucleotide variant.
Coding change: c.97G>A on transcript NM_001370595.2 (MANE Select); coding-DNA position 97, G replaced by A.
Protein change: p.Glu33Lys; replaces glutamic acid 33 with lysine.
Molecular consequence: missense variant. On other transcripts: non-coding transcript variant (2).
Genome position (GRCh38, 1-based): chr14:103,563,098, G>A. VCF-style: chr14-103563098-G-A. GRCh37 (hg19) VCF-style: chr14-104029435-G-A.
Other names: c.136G>A (NM_032374.3); c.97G>A, p.Glu33Lys (NM_001302653.2, NM_001302654.2); short protein forms E33K.
Identifiers: ClinVar variation 1681858 (VCV001681858.5), dbSNP rs549170173, ClinGen allele CA7365412.